The following is an entry in ClinVar:

ClinVar aggregate classification (germline): Conflicting classifications of pathogenicity. Review status: criteria provided, conflicting classifications (1 of 4 stars). 7 submissions from 7 submitters: Uncertain significance (6); Likely benign (1). Last evaluated 2026-04-14.

Conditions:
ATP8B1-related disorder. Also called: ATP8B1-related disorders; ATP8B1-related condition.
Familial intrahepatic cholestasis. Identifiers: Orphanet 284385, MedGen CN296401, MONDO:0017290.
Cholestasis, intrahepatic, of pregnancy, 1 (ICP1). Also called: CHOLESTASIS, PREGNANCY-RELATED, 1. Identifiers: Orphanet 69665, MedGen C3549845, MONDO:0007829, OMIM 147480.
Progressive familial intrahepatic cholestasis type 1. Also called: Severe ATP8B1 Deficiency (Progressive Familial Intrahepatic Cholestasis Type 1 [PFIC1]); BYLER DISEASE; Byler's disease. Identifiers: Orphanet 79306, MedGen C4551898, MONDO:0008892, OMIM 211600.

Allele frequency attached by ClinVar (database versions not stated): gnomAD 0.00003 and 0.00004; TOPMed 0.00005; ExAC 0.00010; gnomAD exomes 0.00010; ESP Exome Variant Server 0.00015.
gnomAD v4.1: 49 of 1,613,792 alleles (0.003%); highest among the groups gnomAD compares: Admixed American, 0.018%; no homozygotes.

Submissions (7):

Genomenon, Inc
Classification: Uncertain significance for Familial intrahepatic cholestasis. Last evaluated: 2026-04-14. Review status: criteria provided, single submitter. Criteria: Genomenon Sequence Variant Interpretation Standards - Updated. Collection method: curation. Allele origin: germline. Affected: yes.
Comment: ATP8B1 p.Arg71His (c.212G>A) is a missense variant that changes the amino acid at residue 71 from Arginine to Histidine. This variant has been observed in at least one proband with features of ATP8B1-deficiency (PMID:28733223). It is absent or not present at a significant frequency in gnomAD. In silico models predict that this variant is not damaging. In conclusion, we classify ATP8B1 p.Arg71His (c.212G>A) as a variant of uncertain significance.

PreventionGenetics, part of Exact Sciences
Classification: Uncertain significance for ATP8B1-related condition. Last evaluated: 2025-02-08. Review status: criteria provided, single submitter. Criteria: ACMG Guidelines, 2015. Collection method: clinical testing. Allele origin: germline.
Comment: The ATP8B1 c.212G>A variant is predicted to result in the amino acid substitution p.Arg71His. This variant was reported with a second ATP8B1 variant in a patient with familial progressive intrahepatic cholestasis (suppl. Table S4 in Dröge et al. 2017. PubMed ID: 28733223). This variant is reported in 0.028% of alleles in individuals of Latino descent in gnomAD. At this time, the clinical significance of this variant is uncertain due to the absence of conclusive functional and genetic evidence.

Genomic Medicine Center of Excellence, King Faisal Specialist Hospital and Research Centre
Classification: Likely benign for Cholestasis, intrahepatic, of pregnancy, 1. Last evaluated: 2024-03-25. Review status: criteria provided, single submitter. Criteria: ACMG Guidelines, 2015. Collection method: clinical testing. Allele origin: germline.

Revvity Omics, Revvity
Classification: Uncertain significance. Last evaluated: 2023-11-20. Review status: criteria provided, single submitter. Criteria: ACMG Guidelines, 2015. Collection method: clinical testing. Allele origin: germline.

Women's Health and Genetics/Laboratory Corporation of America, LabCorp
Classification: Uncertain significance. Last evaluated: 2022-08-24. Review status: criteria provided, single submitter. Criteria: LabCorp Variant Classification Summary - May 2015. Collection method: clinical testing. Allele origin: germline.
Comment: Variant summary: ATP8B1 c.212G>A (p.Arg71His) results in a non-conservative amino acid change located in the P-type ATPase, N-terminal domain (IPR032631) of the encoded protein sequence. Three of five in-silico tools predict a damaging effect of the variant on protein function. The variant allele was found at a frequency of 9.6e-05 in 251148 control chromosomes (gnomAD). This frequency is not higher than predicted for a pathogenic variant in ATP8B1 causing Familial Intrahepatic Cholestasis (9.6e-05 vs 0.0022), allowing no conclusion about variant significance. c.212G>A has been reported in the literature in at-least one individual with suspected inherited cholestasis (example: Droege_2017). This report does not provide unequivocal conclusions about association of the variant with Familial Intrahepatic Cholestasis. To our knowledge, no experimental evidence demonstrating an impact on protein function has been reported. Two clinical diagnostic laboratories have submitted clinical-significance assessments for this variant to ClinVar after 2014 and all classified the variant as uncertain significance. Based on the evidence outlined above, the variant was classified as uncertain significance.

Illumina Laboratory Services, Illumina
Classification: Uncertain significance for Progressive familial intrahepatic cholestasis type 1. Last evaluated: 2018-01-15. Review status: criteria provided, single submitter. Criteria: ICSL Variant Classification Criteria 13 December 2019. Collection method: clinical testing. Allele origin: germline.

Eurofins Ntd Llc (ga)
Classification: Uncertain significance. Last evaluated: 2017-03-08. Review status: criteria provided, single submitter. Criteria: EGL Classification Definitions 2015. Collection method: clinical testing. Allele origin: germline. Observed: 1 variant allele, 1 heterozygote.

Literature cited by the submitters: PubMed 28733223 (cited by Genomenon, Inc and Women's Health and Genetics/Laboratory Corporation of America, LabCorp).

NM_001374385.1(ATP8B1):c.212G>A (p.Arg71His)

Gene: ATP8B1 (ATPase phospholipid transporting 8B1; minus strand). Cytogenetic location: 18q21.31.
Variant type: single nucleotide variant.
Coding change: c.212G>A on transcript NM_001374385.1 (MANE Select); coding-DNA position 212, G replaced by A.
Protein change: p.Arg71His; replaces arginine 71 with histidine.
Molecular consequence: missense variant. On other transcripts: intron variant (1).
Genome position (GRCh38, 1-based): chr18:57,706,557, C>T on the plus strand (G>A on the coding strand, the complement: ATP8B1 is on the minus strand). VCF-style: chr18-57706557-C-T. GRCh37 (hg19) VCF-style: chr18-55373789-C-T.
Other names: c.212G>A, p.Arg71His (NM_005603.6); c.130-1889G>A (NM_001374386.1); short protein forms R71H.
Identifiers: ClinVar variation 500595 (VCV000500595.15), dbSNP rs148715351, ClinGen allele CA8974918.